The following is an entry in ClinVar:

ClinVar aggregate classification (germline): Uncertain significance (1 of 4 stars; one submission).

Conditions:
Neonatal-onset encephalopathy with rigidity and seizures. Also called: Lethal neonatal spasticity-epileptic encephalopathy syndrome. Identifiers: Orphanet 435845, MedGen C3281029, MONDO:0013784, OMIM 614498.

Allele frequency attached by ClinVar (database versions not stated): TOPMed below 0.00001; gnomAD 0.00001; gnomAD exomes 0.00004; ExAC 0.00007.

Submission:

Labcorp Genetics (formerly Invitae), Labcorp
Classification: Uncertain significance for Neonatal-onset encephalopathy with rigidity and seizures. Last evaluated: 2022-03-18. Review status: criteria provided, single submitter. Criteria: Invitae Variant Classification Sherloc (09022015). Collection method: clinical testing. Allele origin: germline.
Comment: This variant has not been reported in the literature in individuals affected with BRAT1-related conditions. This variant is present in population databases (rs778863570, gnomAD 0.009%). This sequence change replaces aspartic acid, which is acidic and polar, with histidine, which is basic and polar, at codon 710 of the BRAT1 protein (p.Asp710His). ClinVar contains an entry for this variant (Variation ID: 1034839). Algorithms developed to predict the effect of missense changes on protein structure and function (SIFT, PolyPhen-2, Align-GVGD) all suggest that this variant is likely to be disruptive. In summary, the available evidence is currently insufficient to determine the role of this variant in disease. Therefore, it has been classified as a Variant of Uncertain Significance.

NM_152743.4(BRAT1):c.2128G>C (p.Asp710His)

Gene: BRAT1 (BRCA1 associated ATM activator 1; minus strand). Cytogenetic location: 7p22.3.
Variant type: single nucleotide variant.
Coding change: c.2128G>C on transcript NM_152743.4 (MANE Select); coding-DNA position 2128, G replaced by C.
Protein change: p.Asp710His; replaces aspartic acid 710 with histidine.
Molecular consequence: missense variant. On other transcripts: non-coding transcript variant (1).
Genome position (GRCh38, 1-based): chr7:2,538,407, C>G on the plus strand (G>C on the coding strand, the complement: BRAT1 is on the minus strand). VCF-style: chr7-2538407-C-G. GRCh37 (hg19) VCF-style: chr7-2578041-C-G.
Other names: c.2308G>C, p.Asp770His (NM_001350626.2); c.1603G>C, p.Asp535His (NM_001350627.2); short protein forms D535H, D710H, D770H.
Identifiers: ClinVar variation 1034839 (VCV001034839.6), dbSNP rs778863570, ClinGen allele CA4127450.